The following is an entry in ClinVar:

NM_001099922.3(ALG13):c.2754ACC[18] (p.Pro943_Pro945dup)

Gene: ALG13 (ALG13 UDP-N-acetylglucosaminyltransferase subunit; plus strand). Cytogenetic location: Xq23.
Variant type: Microsatellite.
Coding change: c.2754ACC[18] on transcript NM_001099922.3 (MANE Select); 18 copies in a row of the 3-base unit ACC starting at c.2754; the reference has 15 copies in a row; three copies, 9 bases duplicated; also written c.2790_2798dup.
Protein change: p.Pro943_Pro945dup.
Molecular consequence: inframe insertion. On other transcripts: intron variant (5).
Genome position (GRCh38, 1-based): chrX:111,744,762-111,744,770, ACCACCACC duplicated; duplicating any 9 consecutive bases within chrX:111,744,726-111,744,770 gives the same sequence; the position shown is the placement nearest the transcript's 3' end. VCF-style (leftmost placement, unchanged base first): chrX-111744725-T-TACCACCACC. GRCh37 (hg19) VCF-style: chrX-110987953-T-TACCACCACC.
Other names: p.Pro943_Pro945dup; c.2790_2798dup (NM_001099922.3); c.2790_2798dupACCACCACC (NM_001099922.2); c.2520ACC[18], p.Pro865_Pro867dup (NM_001257231.2); c.2383+7847ACC[18] (NM_001257237.2, NM_001257234.2, NM_001257230.2); c.2209+7847ACC[18] (NM_001324293.1); c.2695+7847ACC[18] (NM_001324292.2).
Identifiers: ClinVar variation 648599 (VCV000648599.21), dbSNP rs750710267, ClinGen allele CA870050799.
Genomic context (GRCh38, chrX:111,744,725, plus strand): 5'-TAGTGATTGCCTCACCATCCTATCCATGCCATTCTGCTATTCCTCATGCTGGTGCCTCTC[T>TACCACCACC]ACCACCACCACCACCACCACCACCACCACCACCACCACCACCACCTCCTCCTCCTCCTCC-3'

ClinVar aggregate classification (germline): Likely benign. Review status: criteria provided, multiple submitters, no conflicts (2 of 4 stars). 5 submissions from 5 submitters: Likely benign (5). Last evaluated 2026-08-01.

Conditions:
Developmental and epileptic encephalopathy, 36 (DEE36). Also called: Epileptic encephalopathy, early infantile, 36; ALG13-CDG; Congenital disorder of glycosylation, type Is. Identifiers: Orphanet 324422, MedGen C4317295, MONDO:0010472, OMIM 300884.

Submissions (5):

CeGaT Center for Human Genetics Tuebingen
Classification: Likely benign. Last evaluated: 2026-08-01. Review status: criteria provided, single submitter. Criteria: CeGaT Center For Human Genetics Tuebingen Variant Classification Criteria Version 2. Collection method: clinical testing. Allele origin: germline. Affected: yes. Observed: 4 variant alleles.
Comment: ALG13: BS1

Labcorp Genetics (formerly Invitae), Labcorp
Classification: Likely benign for Developmental and epileptic encephalopathy, 36. Last evaluated: 2026-01-09. Review status: criteria provided, single submitter. Criteria: Invitae Variant Classification Sherloc (09022015). Collection method: clinical testing. Allele origin: germline.

Mayo Clinic Laboratories, Mayo Clinic
Classification: Likely benign. Last evaluated: 2025-09-29. Review status: criteria provided, single submitter. Criteria: ACMG Guidelines, 2015. Collection method: clinical testing. Allele origin: germline. Observed: 1 variant allele.
Comment: BS2, BP4

Fulgent Genetics
Classification: Likely benign for Developmental and epileptic encephalopathy, 36. Last evaluated: 2022-02-23. Review status: criteria provided, single submitter. Criteria: ACMG Guidelines, 2015. Collection method: clinical testing. Allele origin: unknown.

GeneDx
Classification: Likely benign. Last evaluated: 2017-02-20. Review status: criteria provided, single submitter. Criteria: GeneDx Variant Classification (06012015). Collection method: clinical testing. Allele origin: germline. Affected: yes.
Comment: This variant is considered likely benign or benign based on one or more of the following criteria: it is a conservative change, it occurs at a poorly conserved position in the protein, it is predicted to be benign by multiple in silico algorithms, and/or has population frequency not consistent with disease.